The following is an entry in ClinVar:

NM_015650.4(TRAF3IP1):c.647A>G (p.Glu216Gly)

Gene: TRAF3IP1 (TRAF3 interacting protein 1; plus strand). Cytogenetic location: 2q37.3.
Variant type: single nucleotide variant.
Coding change: c.647A>G on transcript NM_015650.4 (MANE Select); coding-DNA position 647, A replaced by G.
Protein change: p.Glu216Gly; replaces glutamic acid 216 with glycine.
Molecular consequence: missense variant.
Genome position (GRCh38, 1-based): chr2:238,329,074, A>G. VCF-style: chr2-238329074-A-G. GRCh37 (hg19) VCF-style: chr2-239237715-A-G.
Other names: c.647A>G, p.Glu216Gly (NM_001139490.1); short protein forms E216G.
Identifiers: ClinVar variation 1504140 (VCV001504140.4), dbSNP rs1395710182, ClinGen allele CA351245012.

ClinVar aggregate classification (germline): Uncertain significance (1 of 4 stars; one submission).

Allele frequency attached by ClinVar (database versions not stated): gnomAD 0.00001 and 0.00002; gnomAD exomes 0.00002; TOPMed 0.00002.
gnomAD v4.1: 33 of 1,545,926 alleles (0.0021%); highest among the groups gnomAD compares: Non-Finnish European, 0.0026%; no homozygotes.

Submission:

Labcorp Genetics (formerly Invitae), Labcorp
Classification: Uncertain significance. Last evaluated: 2022-10-28. Review status: criteria provided, single submitter. Criteria: Invitae Variant Classification Sherloc (09022015). Collection method: clinical testing. Allele origin: germline.
Comment: In summary, the available evidence is currently insufficient to determine the role of this variant in disease. Therefore, it has been classified as a Variant of Uncertain Significance. Advanced modeling of protein sequence and biophysical properties (such as structural, functional, and spatial information, amino acid conservation, physicochemical variation, residue mobility, and thermodynamic stability) has been performed at Invitae for this missense variant, however the output from this modeling did not meet the statistical confidence thresholds required to predict the impact of this variant on TRAF3IP1 protein function. ClinVar contains an entry for this variant (Variation ID: 1504140). This variant has not been reported in the literature in individuals affected with TRAF3IP1-related conditions. This variant is present in population databases (no rsID available, gnomAD 0.006%). This sequence change replaces glutamic acid, which is acidic and polar, with glycine, which is neutral and non-polar, at codon 216 of the TRAF3IP1 protein (p.Glu216Gly).